The following is an entry in ClinVar:

NM_001005361.3(DNM2):c.2585G>C (p.Arg862Pro)

Gene: DNM2 (dynamin 2; plus strand). Cytogenetic location: 19p13.2.
Variant type: single nucleotide variant.
Coding change: c.2585G>C on transcript NM_001005361.3 (MANE Select); coding-DNA position 2585, G replaced by C.
Protein change: p.Arg862Pro; replaces arginine 862 with proline.
Molecular consequence: missense variant.
Genome position (GRCh38, 1-based): chr19:10,831,019, G>C. VCF-style: chr19-10831019-G-C. GRCh37 (hg19) VCF-style: chr19-10941695-G-C.
Other names: c.2585G>C, p.Arg862Pro (NM_001005360.3); c.2573G>C, p.Arg858Pro (NM_001005362.3, NM_004945.4); c.2582G>C, p.Arg861Pro (NM_001190716.2); short protein forms R861P, R862P, R858P.
Identifiers: ClinVar variation 2893741 (VCV002893741.3), dbSNP rs369312570, ClinGen allele CA404044608.

ClinVar aggregate classification (germline): Uncertain significance (1 of 4 stars; one submission).

Conditions:
Charcot-Marie-Tooth disease dominant intermediate B (CMTDIB). Also called: Charcot-Marie-Tooth disease dominant intermediate 1; CMT DI1; Charcot-Marie-Tooth disease dominant intermediate I; CHARCOT-MARIE-TOOTH NEUROPATHY, DOMINANT INTERMEDIATE B. Identifiers: Orphanet 100044, Orphanet 228179, MedGen C1847902, MONDO:0011674, OMIM 606482.

Allele frequency attached by ClinVar (database versions not stated): gnomAD 0.00001.
gnomAD v4.1: 2 of 1,610,548 alleles (0.00012%); highest among the groups gnomAD compares: Non-Finnish European, 0.00017%; no homozygotes.

Submission:

Labcorp Genetics (formerly Invitae), Labcorp
Classification: Uncertain significance for Charcot-Marie-Tooth disease dominant intermediate B. Last evaluated: 2026-01-11. Review status: criteria provided, single submitter. Criteria: Invitae Variant Classification Sherloc (09022015). Collection method: clinical testing. Allele origin: germline.
Comment: This sequence change replaces arginine, which is basic and polar, with proline, which is neutral and non-polar, at codon 862 of the DNM2 protein (p.Arg862Pro). This variant is present in population databases (no rsID available, gnomAD 0.007%). This variant has not been reported in the literature in individuals affected with DNM2-related conditions. ClinVar contains an entry for this variant (Variation ID: 2893741). Invitae Evidence Modeling of protein sequence and biophysical properties (such as structural, functional, and spatial information, amino acid conservation, physicochemical variation, residue mobility, and thermodynamic stability) indicates that this missense variant is expected to disrupt DNM2 protein function with a positive predictive value of 80%. In summary, the available evidence is currently insufficient to determine the role of this variant in disease. Therefore, it has been classified as a Variant of Uncertain Significance.